The following is an entry in ClinVar:

NM_024596.5(MCPH1):c.1981A>C (p.Asn661His)

Gene: MCPH1 (microcephalin 1; plus strand). Cytogenetic location: 8p23.1.
Variant type: single nucleotide variant.
Coding change: c.1981A>C on transcript NM_024596.5 (MANE Select); coding-DNA position 1981, A replaced by C.
Protein change: p.Asn661His; replaces asparagine 661 with histidine.
Molecular consequence: missense variant. On other transcripts: intron variant (1).
Genome position (GRCh38, 1-based): chr8:6,480,721, A>C. VCF-style: chr8-6480721-A-C. GRCh37 (hg19) VCF-style: chr8-6338242-A-C.
Other names: c.1981A>C, p.Asn661His (NM_001322042.2, NM_001363979.1, NM_001410916.1 and 1 more transcripts); c.1935+25469A>C (NM_001363980.2); short protein forms N661H.
Identifiers: ClinVar variation 3644184 (VCV003644184.2).

ClinVar aggregate classification (germline): Uncertain significance (1 of 4 stars; one submission).

Submission:

Labcorp Genetics (formerly Invitae), Labcorp
Classification: Uncertain significance. Last evaluated: 2024-08-06. Review status: criteria provided, single submitter. Criteria: Invitae Variant Classification Sherloc (09022015). Collection method: clinical testing. Allele origin: germline.
Comment: This sequence change replaces asparagine, which is neutral and polar, with histidine, which is basic and polar, at codon 661 of the MCPH1 protein (p.Asn661His). This variant is not present in population databases (gnomAD no frequency). This variant has not been reported in the literature in individuals affected with MCPH1-related conditions. Advanced modeling of protein sequence and biophysical properties (such as structural, functional, and spatial information, amino acid conservation, physicochemical variation, residue mobility, and thermodynamic stability) performed at Invitae indicates that this missense variant is expected to disrupt MCPH1 protein function with a positive predictive value of 80%. In summary, the available evidence is currently insufficient to determine the role of this variant in disease. Therefore, it has been classified as a Variant of Uncertain Significance.